The following is an entry in ClinVar:

NM_004656.4(BAP1):c.1793C>G (p.Pro598Arg)

Gene: BAP1 (BRCA1 associated deubiquitinase 1; minus strand). Cytogenetic location: 3p21.1.
Variant type: single nucleotide variant.
Coding change: c.1793C>G on transcript NM_004656.4 (MANE Select); coding-DNA position 1793, C replaced by G.
Protein change: p.Pro598Arg; replaces proline 598 with arginine.
Molecular consequence: missense variant.
Genome position (GRCh38, 1-based): chr3:52,403,235, G>C on the plus strand (C>G on the coding strand, the complement: BAP1 is on the minus strand). VCF-style: chr3-52403235-G-C. GRCh37 (hg19) VCF-style: chr3-52437251-G-C.
Other names: short protein forms P598R.
Identifiers: ClinVar variation 580624 (VCV000580624.15), dbSNP rs763927840, ClinGen allele CA353098792.

ClinVar aggregate classification (germline): Conflicting classifications of pathogenicity. Review status: criteria provided, conflicting classifications (1 of 4 stars). 6 submissions from 6 submitters: Uncertain significance (5); Likely benign (1). Last evaluated 2026-10-01.

Conditions:
Hereditary cancer-predisposing syndrome. Also called: Hereditary Cancer Syndrome; Neoplastic Syndromes, Hereditary; Tumor predisposition; Hereditary neoplastic syndrome. Identifiers: Orphanet 140162, MedGen C0027672, MeSH D009386, MONDO:0015356.
BAP1-related tumor predisposition syndrome (TPDS1). Also called: COMMON Syndrome; Tumor susceptibility linked to germline BAP1 mutations; BAP1 tumor predisposition syndrome; TUMOR PREDISPOSITION SYNDROME 1. Identifiers: Orphanet 289539, MedGen C3280492, MONDO:0013692, OMIM 614327.

Allele frequency attached by ClinVar (database versions not stated): TOPMed below 0.00001; gnomAD 0.00001.
gnomAD v4.1: 4 of 1,614,018 alleles (0.00025%); highest among the groups gnomAD compares: African/African-American, 0.0053%; no homozygotes.

Submissions (6):

St. Jude Molecular Pathology, St. Jude Children's Research Hospital
Classification: Uncertain significance for BAP1-related tumor predisposition syndrome. Last evaluated: 2026-10-01. Review status: criteria provided, single submitter. Criteria: St. Jude Assertion Criteria 2020. Collection method: clinical testing. Allele origin: germline.
Comment: The BAP1 c.1793C>G p.(Pro598Arg) missense change is absent in gnomAD v2.1.1. The in silico tool REVEL predicts a benign effect on protein function, but to our knowledge this prediction has not been confirmed by functional studies. To our knowledge, this variant has not been reported in the literature in individuals with BAP1-related tumor predisposition syndrome. In summary, the evidence currently available is insufficient to determine the cli nical significance of this variant. It has therefore been classified as of uncertain significance (VUS-Low). Ã¢ € ¯

Labcorp Genetics (formerly Invitae), Labcorp
Classification: Uncertain significance for BAP1-related tumor predisposition syndrome. Last evaluated: 2025-10-18. Review status: criteria provided, single submitter. Criteria: Invitae Variant Classification Sherloc (09022015). Collection method: clinical testing. Allele origin: germline.
Comment: This sequence change replaces proline, which is neutral and non-polar, with arginine, which is basic and polar, at codon 598 of the BAP1 protein (p.Pro598Arg). This variant is not present in population databases (gnomAD no frequency). This variant has not been reported in the literature in individuals affected with BAP1-related conditions. ClinVar contains an entry for this variant (Variation ID: 580624). Invitae Evidence Modeling of protein sequence and biophysical properties (such as structural, functional, and spatial information, amino acid conservation, physicochemical variation, residue mobility, and thermodynamic stability) indicates that this missense variant is not expected to disrupt BAP1 protein function with a negative predictive value of 80%. In summary, the available evidence is currently insufficient to determine the role of this variant in disease. Therefore, it has been classified as a Variant of Uncertain Significance.

Ambry Genetics
Classification: Likely benign for Hereditary cancer-predisposing syndrome. Last evaluated: 2024-05-28. Review status: criteria provided, single submitter. Criteria: Ambry Variant Classification Scheme 2023. Collection method: clinical testing. Allele origin: germline.

Baylor Genetics
Classification: Uncertain significance for BAP1-related tumor predisposition syndrome. Last evaluated: 2023-11-15. Review status: criteria provided, single submitter. Criteria: ACMG Guidelines, 2015. Collection method: clinical testing. Allele origin: unknown.

GeneDx
Classification: Uncertain significance. Last evaluated: 2019-04-19. Review status: criteria provided, single submitter. Criteria: GeneDx Variant Classification Process June 2021. Collection method: clinical testing. Allele origin: germline. Affected: yes.
Comment: Not observed in large population cohorts (Lek et al., 2016); Has not been previously published as pathogenic or benign to our knowledge

Mendelics
Classification: Uncertain significance for Tumor susceptibility linked to germline BAP1 mutations. Last evaluated: 2018-07-02. Review status: criteria provided, single submitter. Criteria: Mendelics Assertion Criteria 2017. Collection method: clinical testing. Allele origin: unknown.